The following is an entry in ClinVar:

ClinVar aggregate classification (germline): Uncertain significance (1 of 4 stars; one submission).

Allele frequency attached by ClinVar (database versions not stated): gnomAD 0.00001; TOPMed 0.00002.

Submission:

Labcorp Genetics (formerly Invitae), Labcorp
Classification: Uncertain significance. Last evaluated: 2022-10-13. Review status: criteria provided, single submitter. Criteria: Invitae Variant Classification Sherloc (09022015). Collection method: clinical testing. Allele origin: germline.
Comment: This sequence change replaces proline, which is neutral and non-polar, with serine, which is neutral and polar, at codon 223 of the HES7 protein (p.Pro223Ser). This variant is not present in population databases (gnomAD no frequency). This variant has not been reported in the literature in individuals affected with HES7-related conditions. ClinVar contains an entry for this variant (Variation ID: 1515453). Algorithms developed to predict the effect of missense changes on protein structure and function are either unavailable or do not agree on the potential impact of this missense change (SIFT: "Deleterious"; PolyPhen-2: "Not Available"; Align-GVGD: "Class C0"). In summary, the available evidence is currently insufficient to determine the role of this variant in disease. Therefore, it has been classified as a Variant of Uncertain Significance.

NM_001165967.2(HES7):c.682C>T (p.Pro228Ser)

Genes: HES7 (hes family bHLH transcription factor 7; minus strand), LOC130060203 (ATAC-STARR-seq lymphoblastoid silent region 8155; plus strand). Cytogenetic location: 17p13.1.
Variant type: single nucleotide variant.
Coding change: c.682C>T on transcript NM_001165967.2 (MANE Select); coding-DNA position 682, C replaced by T.
Protein change: p.Pro228Ser; replaces proline 228 with serine.
Molecular consequence: missense variant.
Genome position (GRCh38, 1-based): chr17:8,121,582, G>A on the plus strand (C>T on the coding strand, the complement: HES7 is on the minus strand). VCF-style: chr17-8121582-G-A. GRCh37 (hg19) VCF-style: chr17-8024900-G-A.
Other names: c.667C>T, p.Pro223Ser (NM_032580.4); short protein forms P228S, P223S.
Identifiers: ClinVar variation 1515453 (VCV001515453.8), dbSNP rs896956362, ClinGen allele CA287536918.